The following is an entry in ClinVar:

ClinVar aggregate classification (germline): Uncertain significance (1 of 4 stars; one submission).

Conditions:
Cardiovascular phenotype. Identifiers: MedGen CN230736.

Submission:

Ambry Genetics
Classification: Uncertain significance for Cardiovascular phenotype. Last evaluated: 2023-01-15. Review status: criteria provided, single submitter. Criteria: Ambry Variant Classification Scheme 2023. Collection method: clinical testing. Allele origin: germline.
Comment: The p.R3435L variant (also known as c.10304G>T), located in coding exon 41 of the AKAP9 gene, results from a G to T substitution at nucleotide position 10304. The arginine at codon 3435 is replaced by leucine, an amino acid with dissimilar properties. This amino acid position is conserved. In addition, this alteration is predicted to be tolerated by in silico analysis. Since supporting evidence is limited at this time, the clinical significance of this alteration remains unclear.

NM_005751.5(AKAP9):c.10304G>T (p.Arg3435Leu)

Gene: AKAP9 (A-kinase anchoring protein 9; plus strand). Cytogenetic location: 7q21.2.
Variant type: single nucleotide variant.
Coding change: c.10304G>T on transcript NM_005751.5 (MANE Select); coding-DNA position 10304, G replaced by T.
Protein change: p.Arg3435Leu; replaces arginine 3435 with leucine.
Molecular consequence: missense variant.
Genome position (GRCh38, 1-based): chr7:92,097,263, G>T. VCF-style: chr7-92097263-G-T. GRCh37 (hg19) VCF-style: chr7-91726577-G-T.
Other names: c.4949G>T, p.Arg1650Leu (NM_001379277.1); c.10280G>T, p.Arg3427Leu (NM_147185.3); short protein forms R3427L, R3435L, R1650L.
Identifiers: ClinVar variation 2449766 (VCV002449766.2), dbSNP rs944150920, ClinGen allele CA16040233.